The following is an entry in ClinVar:

NM_000535.7(PMS2):c.650C>A (p.Thr217Lys)

Gene: PMS2 (PMS1 homolog 2, mismatch repair system component; minus strand). Cytogenetic location: 7p22.1.
Variant type: single nucleotide variant.
Coding change: c.650C>A on transcript NM_000535.7 (MANE Select); coding-DNA position 650, C replaced by A.
Protein change: p.Thr217Lys; replaces threonine 217 with lysine.
Molecular consequence: missense variant. On other transcripts: 5 prime UTR variant (2), non-coding transcript variant (1), intron variant (9).
Genome position (GRCh38, 1-based): chr7:5,999,163, G>T on the plus strand (C>A on the coding strand, the complement: PMS2 is on the minus strand). VCF-style: chr7-5999163-G-T. GRCh37 (hg19) VCF-style: chr7-6038794-G-T.
Other names: c.245C>A, p.Thr82Lys (NM_001018040.1, NM_001322003.2, NM_001322004.2 and 20 more transcripts); c.650C>A, p.Thr217Lys (NM_001322006.2, NM_001322014.2, NM_001406870.1 and 4 more transcripts); c.332C>A, p.Thr111Lys (NM_001322007.2, NM_001322008.2, NM_001406876.1 and 4 more transcripts); c.-284C>A (NM_001322011.2, NM_001322012.2); c.341C>A, p.Thr114Lys (NM_001322015.2, NM_001406875.1, NM_001406877.1 and 6 more transcripts); c.836C>A, p.Thr279Lys (NM_001406866.1); c.674C>A, p.Thr225Lys (NM_001406868.1); c.314C>A, p.Thr105Lys (NM_001406885.1); and 6 more; short protein forms T217K, T114K, T225K, T111K, T279K, T82K, T105K.
Identifiers: ClinVar variation 2713868 (VCV002713868.3), dbSNP rs774519794, ClinGen allele CA366743915.

ClinVar aggregate classification (germline): Uncertain significance (1 of 4 stars; one submission).

Conditions:
Hereditary nonpolyposis colorectal neoplasms. Identifiers: MedGen C0009405, MeSH D003123.

Submission:

Labcorp Genetics (formerly Invitae), Labcorp
Classification: Uncertain significance for Hereditary nonpolyposis colorectal neoplasms. Last evaluated: 2024-01-28. Review status: criteria provided, single submitter. Criteria: Invitae Variant Classification Sherloc (09022015). Collection method: clinical testing. Allele origin: germline.
Comment: This sequence change replaces threonine, which is neutral and polar, with lysine, which is basic and polar, at codon 217 of the PMS2 protein (p.Thr217Lys). This variant is not present in population databases (gnomAD no frequency). This variant has not been reported in the literature in individuals affected with PMS2-related conditions. Advanced modeling of protein sequence and biophysical properties (such as structural, functional, and spatial information, amino acid conservation, physicochemical variation, residue mobility, and thermodynamic stability) performed at Invitae indicates that this missense variant is expected to disrupt PMS2 protein function with a positive predictive value of 80%. In summary, the available evidence is currently insufficient to determine the role of this variant in disease. Therefore, it has been classified as a Variant of Uncertain Significance.